The following is an entry in ClinVar:

ClinVar aggregate classification (germline): Likely benign (0 of 4 stars; one submission).

Conditions:
KIF26B-related disorder. Also called: KIF26B-related condition.

Allele frequency attached by ClinVar (database versions not stated): gnomAD exomes 0.00011; 1000 Genomes Project 30x 0.00016; 1000 Genomes Project 0.00020; ExAC 0.00040; gnomAD 0.00088; ESP Exome Variant Server 0.00089; TOPMed 0.00125.
gnomAD v4.1: 300 of 1,592,004 alleles (0.019%); highest among the groups gnomAD compares: African/African-American, 0.35%; no homozygotes.

Submission:

PreventionGenetics, part of Exact Sciences
Classification: Likely benign for KIF26B-related condition. Last evaluated: 2020-09-29. Review status: no assertion criteria provided. Collection method: clinical testing. Allele origin: germline.
Comment: This variant is classified as likely benign based on ACMG/AMP sequence variant interpretation guidelines (Richards et al. 2015 PMID: 25741868, with internal and published modifications).

NM_018012.4(KIF26B):c.3033G>A (p.Ala1011=)

Gene: KIF26B (kinesin family member 26B; plus strand). Cytogenetic location: 1q44.
Variant type: single nucleotide variant.
Coding change: c.3033G>A on transcript NM_018012.4 (MANE Select); coding-DNA position 3033, G replaced by A.
Protein change: p.Ala1011=; no amino-acid change (alanine 1011 retained).
Molecular consequence: synonymous variant.
Genome position (GRCh38, 1-based): chr1:245,686,016, G>A. VCF-style: chr1-245686016-G-A. GRCh37 (hg19) VCF-style: chr1-245849318-G-A.
Identifiers: ClinVar variation 3050230 (VCV003050230.2), dbSNP rs375127882, ClinGen allele CA1488148.
Genomic context (GRCh38, chr1:245,686,016, plus strand): 5'-AGAAGGCCCTGAACTCCCAGCCTCCAAGATGCAGAGGAGTCACTCACCTGTGCCCGCCGC[G>A]GCACCCGCCCACAGCCCCAGCCCGGCCTCACCCAGGAGCGTCCCGGGCAGCAGTAGCCAG-3'
Protein context (NP_060482.2, residues 1001-1021): MQRSHSPVPA[Ala1011=]APAHSPSPAS